The following is an entry in ClinVar:

NM_001101426.4(CRPPA):c.1192G>A (p.Ala398Thr)

Genes: CRPPA (CDP-L-ribitol pyrophosphorylase A; minus strand), CRPPA-AS1 (CRPPA antisense RNA 1; plus strand). Cytogenetic location: 7p21.2.
Variant type: single nucleotide variant.
Coding change: c.1192G>A on transcript NM_001101426.4 (MANE Select); coding-DNA position 1192, G replaced by A.
Protein change: p.Ala398Thr; replaces alanine 398 with threonine.
Molecular consequence: missense variant. On other transcripts: non-coding transcript variant (1).
Genome position (GRCh38, 1-based): chr7:16,216,125, C>T on the plus strand (G>A on the coding strand, the complement: CRPPA is on the minus strand). VCF-style: chr7-16216125-C-T. GRCh37 (hg19) VCF-style: chr7-16255750-C-T.
Other names: c.1042G>A, p.Ala348Thr (NM_001101417.4); c.1087G>A, p.Ala363Thr (NM_001368197.1); short protein forms A398T, A363T, A348T.
Identifiers: ClinVar variation 594085 (VCV000594085.14), dbSNP rs762217429, ClinGen allele CA4169359.

ClinVar aggregate classification (germline): Uncertain significance. Review status: criteria provided, multiple submitters, no conflicts (2 of 4 stars). 3 submissions from 3 submitters: Uncertain significance (3). Last evaluated 2025-04-08.

Conditions:
CRPPA-related disorder.
Autosomal recessive limb-girdle muscular dystrophy type 2U. Also called: MUSCULAR DYSTROPHY, LIMB-GIRDLE, TYPE 2U; Muscular dystrophy-dystroglycanopathy (limb-girdle), type c, 7. Identifiers: Orphanet 352479, MedGen C5190987, MONDO:0014474, OMIM 616052.
Muscular dystrophy-dystroglycanopathy (congenital with brain and eye anomalies), type A, 7. Also called: WALKER-WARBURG SYNDROME OR MUSCLE-EYE-BRAIN DISEASE, ISPD-RELATED; Congenital muscular dystrophy-dystroglycanopathy with brain and eye anomalies, type A7. Identifiers: Orphanet 899, MedGen C3553330, MONDO:0013835, OMIM 614643.

Allele frequency attached by ClinVar (database versions not stated): gnomAD exomes below 0.00001; ExAC 0.00001; gnomAD 0.00001; TOPMed 0.00003.
gnomAD v4.1: 2 of 1,599,268 alleles (0.00013%); highest among the groups gnomAD compares: African/African-American, 0.0027%; no homozygotes.

Submissions (3):

PreventionGenetics, part of Exact Sciences
Classification: Uncertain significance for CRPPA-related condition. Last evaluated: 2025-04-08. Review status: criteria provided, single submitter. Criteria: ACMG Guidelines, 2015. Collection method: clinical testing. Allele origin: germline.
Comment: The CRPPA c.1192G>A variant is predicted to result in the amino acid substitution p.Ala398Thr. To our knowledge, this variant has not been reported in the literature. This variant is reported in 0.0065% of alleles in individuals of African descent in gnomAD. At this time, the clinical significance of this variant is uncertain due to the absence of conclusive functional and genetic evidence.

Labcorp Genetics (formerly Invitae), Labcorp
Classification: Uncertain significance for Muscular dystrophy-dystroglycanopathy (congenital with brain and eye anomalies), type A, 7; Autosomal recessive limb-girdle muscular dystrophy type 2U. Last evaluated: 2020-07-12. Review status: criteria provided, single submitter. Criteria: Invitae Variant Classification Sherloc (09022015). Collection method: clinical testing. Allele origin: germline.
Comment: This sequence change replaces alanine with threonine at codon 398 of the ISPD protein (p.Ala398Thr). The alanine residue is moderately conserved and there is a small physicochemical difference between alanine and threonine. This variant is present in population databases (rs762217429, ExAC 0.01%). This variant has not been reported in the literature in individuals with ISPD-related disease. Algorithms developed to predict the effect of missense changes on protein structure and function are either unavailable or do not agree on the potential impact of this missense change (SIFT: "Deleterious"; PolyPhen-2: "Possibly Damaging"; Align-GVGD: "Class C0"). In summary, the available evidence is currently insufficient to determine the role of this variant in disease. Therefore, it has been classified as a Variant of Uncertain Significance.

Eurofins Ntd Llc (ga)
Classification: Uncertain significance. Last evaluated: 2017-09-19. Review status: criteria provided, single submitter. Criteria: EGL Classification Definitions 2015. Collection method: clinical testing. Allele origin: germline. Observed: 1 variant allele, 1 heterozygote.